The following is an entry in ClinVar:

NM_032043.3(BRIP1):c.1992C>T (p.Phe664=)

Gene: BRIP1 (BRCA1 interacting DNA helicase 1; minus strand). Cytogenetic location: 17q23.2.
Variant type: single nucleotide variant.
Coding change: c.1992C>T on transcript NM_032043.3 (MANE Select); coding-DNA position 1992, C replaced by T.
Protein change: p.Phe664=; no amino-acid change (phenylalanine 664 retained).
Molecular consequence: synonymous variant.
Genome position (GRCh38, 1-based): chr17:61,776,506, G>A on the plus strand (C>T on the coding strand, the complement: BRIP1 is on the minus strand). VCF-style: chr17-61776506-G-A. GRCh37 (hg19) VCF-style: chr17-59853867-G-A.
Identifiers: ClinVar variation 3379137 (VCV003379137.1).

ClinVar aggregate classification (germline): Benign (1 of 4 stars; one submission).

Conditions:
Familial cancer of breast. Also called: hereditary breast carcinoma; Hereditary breast cancer; BREAST CANCER, FAMILIAL. Identifiers: Orphanet 227535, MedGen C0346153, MONDO:0016419, OMIM 114480. Disease mechanism: loss of function.

gnomAD v4.1: 2 of 1,614,140 alleles (0.00012%); highest among the groups gnomAD compares: East Asian, 0.0045%; no homozygotes.

Submission:

Myriad Genetics, Inc.
Classification: Benign for Familial cancer of breast. Last evaluated: 2024-09-03. Review status: criteria provided, single submitter. Criteria: Myriad Autosomal Dominant, Autosomal Recessive and X-Linked Classification Criteria (2023). Collection method: clinical testing. Allele origin: unknown.
Comment: This variant is considered benign. This variant is a silent/synonymous amino acid change and it is not expected to impact splicing.